The following is an entry in ClinVar:

ClinVar aggregate classification (germline): Benign/Likely benign. Review status: criteria provided, multiple submitters, no conflicts (2 of 4 stars). 4 submissions from 4 submitters: Benign (1); Likely benign (3). Last evaluated 2026-08-01.

Submissions (4):

CeGaT Center for Human Genetics Tuebingen
Classification: Likely benign. Last evaluated: 2026-08-01. Review status: criteria provided, single submitter. Criteria: CeGaT Center For Human Genetics Tuebingen Variant Classification Criteria Version 2. Collection method: clinical testing. Allele origin: germline. Affected: yes. Observed: 31 variant alleles.
Comment: SETBP1: BS1

Labcorp Genetics (formerly Invitae), Labcorp
Classification: Likely benign. Last evaluated: 2026-01-11. Review status: criteria provided, single submitter. Criteria: Invitae Variant Classification Sherloc (09022015). Collection method: clinical testing. Allele origin: germline.

Blueprint Genetics
Classification: Likely benign. Last evaluated: 2024-11-27. Review status: criteria provided, single submitter. Criteria: ACMG Guidelines, 2015. Collection method: clinical testing. Allele origin: germline.

GeneDx
Classification: Benign. Last evaluated: 2019-01-08. Review status: criteria provided, single submitter. Criteria: GeneDx Variant Classification Process June 2021. Collection method: clinical testing. Allele origin: germline. Affected: yes.

NM_015559.3(SETBP1):c.4590GCCGCCACC[1] (p.Pro1535_Pro1537del)

Gene: SETBP1 (SET binding protein 1; plus strand). Cytogenetic location: 18q12.3.
Variant type: Microsatellite.
Coding change: c.4590GCCGCCACC[1] on transcript NM_015559.3 (MANE Select); one copy of the 9-base unit GCCGCCACC starting at c.4590; the reference has two copies in a row; one copy, 9 bases deleted.
Protein change: p.Pro1535_Pro1537del.
Molecular consequence: inframe deletion.
Genome position (GRCh38, 1-based): chr18:45,063,506-45,063,514, GCCGCCACC deleted; deleting any 9 consecutive bases within chr18:45,063,497-45,063,514 gives the same sequence; the position shown is the placement nearest the transcript's 3' end. VCF-style (leftmost placement, unchanged base first): chr18-45063496-TGCCGCCACC-T. GRCh37 (hg19) VCF-style: chr18-42643461-TGCCGCCACC-T.
Other names: c.4590GCCGCCACC[1], p.Pro1535_Pro1537del (NM_001379141.1, NM_001379142.1).
Identifiers: ClinVar variation 1242548 (VCV001242548.40), dbSNP rs777582770, ClinGen allele CA8946152.
Genomic context (GRCh38, chr18:45,063,496, plus strand): 5'-AGGCGGTCATCCACATGGCCCGGGAGGCGCCGCCCCTGCCCCCGCCACCGCCGCCGCCCC[TGCCGCCACC>T]GCCGCCACCACCCCTGCCCCCGCCACCCCCTCTACCCAAGACCCCCCGAGGCGGAAAGAG-3'